The following is an entry in ClinVar:

NM_001025295.3(IFITM5):c.63C>G (p.His21Gln)

Gene: IFITM5 (interferon induced transmembrane protein 5; minus strand). Cytogenetic location: 11p15.5.
Variant type: single nucleotide variant.
Coding change: c.63C>G on transcript NM_001025295.3 (MANE Select); coding-DNA position 63, C replaced by G.
Protein change: p.His21Gln; replaces histidine 21 with glutamine.
Molecular consequence: missense variant.
Genome position (GRCh38, 1-based): chr11:299,428, G>C on the plus strand (C>G on the coding strand, the complement: IFITM5 is on the minus strand). VCF-style: chr11-299428-G-C. GRCh37 (hg19) VCF-style: chr11-299428-G-C.
Other names: short protein forms H21Q.
Identifiers: ClinVar variation 2332639 (VCV002332639.4), dbSNP rs2539165095, ClinGen allele CA378891026.

ClinVar aggregate classification (germline): Uncertain significance. Review status: criteria provided, multiple submitters, no conflicts (2 of 4 stars). 2 submissions from 2 submitters: Uncertain significance (2). Last evaluated 2024-02-23.

Conditions:
Inborn genetic diseases. Identifiers: MedGen C0950123, MeSH D030342.

Allele frequency attached by ClinVar (database versions not stated): gnomAD exomes below 0.00001.

Submissions (2):

Labcorp Genetics (formerly Invitae), Labcorp
Classification: Uncertain significance. Last evaluated: 2024-02-23. Review status: criteria provided, single submitter. Criteria: Invitae Variant Classification Sherloc (09022015). Collection method: clinical testing. Allele origin: germline.
Comment: This sequence change replaces histidine, which is basic and polar, with glutamine, which is neutral and polar, at codon 21 of the IFITM5 protein (p.His21Gln). This variant is not present in population databases (gnomAD no frequency). This variant has not been reported in the literature in individuals affected with IFITM5-related conditions. ClinVar contains an entry for this variant (Variation ID: 2332639). An algorithm developed to predict the effect of missense changes on protein structure and function (PolyPhen-2) suggests that this variant is likely to be tolerated. In summary, the available evidence is currently insufficient to determine the role of this variant in disease. Therefore, it has been classified as a Variant of Uncertain Significance.

Ambry Genetics
Classification: Uncertain significance for Inborn genetic diseases. Last evaluated: 2022-12-05. Review status: criteria provided, single submitter. Criteria: Ambry Variant Classification Scheme 2023. Collection method: clinical testing. Allele origin: germline.